The following is an entry in ClinVar:

ClinVar aggregate classification (germline): Uncertain significance (1 of 4 stars; one submission).

Conditions:
Neurodegeneration with brain iron accumulation 5 (NBIA5). Also called: STATIC ENCEPHALOPATHY OF CHILDHOOD WITH NEURODEGENERATION IN ADULTHOOD; Beta-propeller protein-associated neurodegeneration. Identifiers: Orphanet 329284, MedGen C3550973, MONDO:0010476, OMIM 300894.

Submission:

Laboratorio de Genetica e Diagnostico Molecular, Hospital Israelita Albert Einstein
Classification: Uncertain significance for Neurodegeneration with brain iron accumulation 5. Last evaluated: 2023-02-06. Review status: criteria provided, single submitter. Criteria: ACMG Guidelines, 2015. Collection method: clinical testing. Allele origin: germline. Affected: yes.
Comment: ACMG classification criteria: PM2 moderated, PP3 supporting

NM_001029896.2(WDR45):c.632C>T (p.Ser211Phe)

Gene: WDR45 (WD repeat domain 45; minus strand). Cytogenetic location: Xp11.23.
Variant type: single nucleotide variant.
Coding change: c.632C>T on transcript NM_001029896.2 (MANE Select); coding-DNA position 632, C replaced by T.
Protein change: p.Ser211Phe; replaces serine 211 with phenylalanine.
Molecular consequence: missense variant.
Genome position (GRCh38, 1-based): chrX:49,075,638, G>A on the plus strand (C>T on the coding strand, the complement: WDR45 is on the minus strand). VCF-style: chrX-49075638-G-A. GRCh37 (hg19) VCF-style: chrX-48933297-G-A.
Other names: c.635C>T, p.Ser212Phe (NM_007075.4); short protein forms S211F, S212F.
Identifiers: ClinVar variation 2431445 (VCV002431445.2), dbSNP rs2520261508, ClinGen allele CA412944064.